The following is an entry in ClinVar:

NM_033163.5(FGF8):c.437T>G (p.Ile146Ser)

Gene: FGF8 (fibroblast growth factor 8; minus strand). Cytogenetic location: 10q24.32.
Variant type: single nucleotide variant.
Coding change: c.437T>G on transcript NM_033163.5 (MANE Select); coding-DNA position 437, T replaced by G.
Protein change: p.Ile146Ser; replaces isoleucine 146 with serine.
Molecular consequence: missense variant.
Genome position (GRCh38, 1-based): chr10:101,771,470, A>C on the plus strand (T>G on the coding strand, the complement: FGF8 is on the minus strand). VCF-style: chr10-101771470-A-C. GRCh37 (hg19) VCF-style: chr10-103531227-A-C.
Other names: c.125T>G, p.Ile42Ser (NM_001206389.2); c.350T>G, p.Ile117Ser (NM_006119.6); c.404T>G, p.Ile135Ser (NM_033164.4); c.317T>G, p.Ile106Ser (NM_033165.5); short protein forms I106S, I117S, I135S, I146S, I42S.
Identifiers: ClinVar variation 1693047 (VCV001693047.3), dbSNP rs2065024801, ClinGen allele CA377834246.
Genomic context (GRCh38, chr10:101,771,470, plus strand): 5'-GCCCAAGCCACTCCCTAGGTCCCGCGGACCCCACCTGCCTGCTGGGGCCTCACCTTGGCG[A>C]TCAGCTTCCCCTTCTTGTTCATGCAGATGTAGAGGCCCGTCTCGGCTCCTCGGACTCGAA-3'
Protein context (NP_149353.1, residues 136-156): YICMNKKGKL[Ile146Ser]AKSNGKGKDC

ClinVar aggregate classification (germline): Uncertain significance (1 of 4 stars; one submission).

Allele frequency attached by ClinVar (database versions not stated): gnomAD exomes below 0.00001; TOPMed below 0.00001; gnomAD 0.00001.
gnomAD v4.1: 2 of 1,613,790 alleles (0.00012%); highest among the groups gnomAD compares: African/African-American, 0.0013%; no homozygotes.

Submission:

GeneDx
Classification: Uncertain significance. Last evaluated: 2023-05-10. Review status: criteria provided, single submitter. Criteria: GeneDx Variant Classification Process June 2021. Collection method: clinical testing. Allele origin: germline. Affected: yes.
Comment: Not observed at significant frequency in large population cohorts (gnomAD); In silico analysis supports that this missense variant has a deleterious effect on protein structure/function; Has not been previously published as pathogenic or benign to our knowledge